The following is an entry in ClinVar:

ClinVar aggregate classification (germline): Likely benign. Review status: criteria provided, multiple submitters, no conflicts (2 of 4 stars). 2 submissions from 2 submitters: Likely benign (2). Last evaluated 2022-05-01.

Allele frequency attached by ClinVar (database versions not stated): gnomAD 0.00001 and 0.00005; TOPMed 0.00002; gnomAD exomes 0.00012; ExAC 0.00017; 1000 Genomes Project 0.00060; 1000 Genomes Project 30x 0.00078.
gnomAD v4.1: 86 of 1,614,010 alleles (0.0053%); highest among the groups gnomAD compares: South Asian, 0.087%; 2 homozygotes.

Submissions (2):

CeGaT Center for Human Genetics Tuebingen
Classification: Likely benign. Last evaluated: 2022-05-01. Review status: criteria provided, single submitter. Criteria: CeGaT Center For Human Genetics Tuebingen Variant Classification Criteria Version 2. Collection method: clinical testing. Allele origin: germline. Affected: yes. Observed: 1 variant allele.
Comment: NDST1: BP4, BP7

Genetic Services Laboratory, University of Chicago
Classification: Likely benign. Last evaluated: 2016-07-14. Review status: criteria provided, single submitter. Criteria: ACMG Guidelines, 2015. Collection method: clinical testing. Allele origin: germline. Affected: no.

NM_001543.5(NDST1):c.1696T>C (p.Leu566=)

Gene: NDST1 (N-deacetylase and N-sulfotransferase 1; plus strand). Cytogenetic location: 5q33.1.
Variant type: single nucleotide variant.
Coding change: c.1696T>C on transcript NM_001543.5 (MANE Select); coding-DNA position 1696, T replaced by C.
Protein change: p.Leu566=; no amino-acid change (leucine 566 retained).
Molecular consequence: synonymous variant.
Genome position (GRCh38, 1-based): chr5:150,540,211, T>C. VCF-style: chr5-150540211-T-C. GRCh37 (hg19) VCF-style: chr5-149919773-T-C.
Other names: c.1696T>C, p.Leu566= (NM_001301063.2).
Identifiers: ClinVar variation 435951 (VCV000435951.30), dbSNP rs554640817, ClinGen allele CA3512748.
Genomic context (GRCh38, chr5:150,540,211, plus strand): 5'-CTGGTGCGCTTCCTGCACTCCTGGACGAACCTCCGGCTGCAGACACTGCCCCCTGTGCAG[T>C]TGGCGCAGAAGTACTTCCAGATCTTCTCCGAGGAGAAGGACCCGCTCTGGCAGGTGGGGG-3'
Protein context (NP_001534.1, residues 556-576): LRLQTLPPVQ[Leu566=]AQKYFQIFSE